The following is an entry in ClinVar:

NM_025144.4(ALPK1):c.1101G>C (p.Arg367Ser)

Gene: ALPK1 (alpha kinase 1; plus strand). Cytogenetic location: 4q25.
Variant type: single nucleotide variant.
Coding change: c.1101G>C on transcript NM_025144.4 (MANE Select); coding-DNA position 1101, G replaced by C.
Protein change: p.Arg367Ser; replaces arginine 367 with serine.
Molecular consequence: missense variant.
Genome position (GRCh38, 1-based): chr4:112,430,648, G>C. VCF-style: chr4-112430648-G-C. GRCh37 (hg19) VCF-style: chr4-113351804-G-C.
Other names: c.1101G>C, p.Arg367Ser (NM_001102406.2); c.867G>C, p.Arg289Ser (NM_001253884.2); short protein forms R289S, R367S.
Identifiers: ClinVar variation 2070163 (VCV002070163.4), dbSNP rs745594011, ClinGen allele CA3046663.

ClinVar aggregate classification (germline): Uncertain significance (1 of 4 stars; one submission).

Allele frequency attached by ClinVar (database versions not stated): TOPMed 0.00001.
gnomAD v4.1: 5 of 1,614,160 alleles (0.00031%); highest among the groups gnomAD compares: Admixed American, 0.0017%; no homozygotes.

Submission:

Labcorp Genetics (formerly Invitae), Labcorp
Classification: Uncertain significance. Last evaluated: 2022-09-21. Review status: criteria provided, single submitter. Criteria: Invitae Variant Classification Sherloc (09022015). Collection method: clinical testing. Allele origin: germline.
Comment: This sequence change replaces arginine, which is basic and polar, with serine, which is neutral and polar, at codon 367 of the ALPK1 protein (p.Arg367Ser). This variant is present in population databases (rs745594011, gnomAD 0.003%). In summary, the available evidence is currently insufficient to determine the role of this variant in disease. Therefore, it has been classified as a Variant of Uncertain Significance. Advanced modeling of protein sequence and biophysical properties (such as structural, functional, and spatial information, amino acid conservation, physicochemical variation, residue mobility, and thermodynamic stability) performed at Invitae indicates that this missense variant is not expected to disrupt ALPK1 protein function. This variant has not been reported in the literature in individuals affected with ALPK1-related conditions.